The following is an entry in ClinVar:

ClinVar aggregate classification (germline): Uncertain significance (1 of 4 stars; one submission).

gnomAD v4.1: 1 of 1,614,072 alleles (0.000062%); highest among the groups gnomAD compares: Admixed American, 0.0017%; no homozygotes.

Submission:

Athena Diagnostics
Classification: Uncertain significance. Last evaluated: 2024-10-21. Review status: criteria provided, single submitter. Criteria: Athena Diagnostics Criteria. Collection method: clinical testing. Allele origin: unknown.
Comment: Available data are insufficient to determine the clinical significance of the variant at this time. The frequency of this variant in the general population is uninformative in assessment of its pathogenicity. Polyphen and MutationTaster predict this amino acid change may be benign.

NM_177550.5(SLC13A5):c.1333C>T (p.Pro445Ser)

Gene: SLC13A5 (solute carrier family 13 member 5; minus strand). Cytogenetic location: 17p13.1.
Variant type: single nucleotide variant.
Coding change: c.1333C>T on transcript NM_177550.5 (MANE Select); coding-DNA position 1333, C replaced by T.
Protein change: p.Pro445Ser; replaces proline 445 with serine.
Molecular consequence: missense variant.
Genome position (GRCh38, 1-based): chr17:6,690,883, G>A on the plus strand (C>T on the coding strand, the complement: SLC13A5 is on the minus strand). VCF-style: chr17-6690883-G-A. GRCh37 (hg19) VCF-style: chr17-6594202-G-A.
Other names: c.1333C>T, p.Pro445Ser (NM_001143838.3); c.1282C>T, p.Pro428Ser (NM_001284509.2); c.1204C>T, p.Pro402Ser (NM_001284510.2); short protein forms P402S, P428S, P445S.
Identifiers: ClinVar variation 3571859 (VCV003571859.1).